The following is an entry in ClinVar:

NM_001379500.1(COL18A1):c.3757G>A (p.Gly1253Arg)

Genes: SLC19A1 (solute carrier family 19 member 1; minus strand), COL18A1 (collagen type XVIII alpha 1 chain; plus strand). Cytogenetic location: 21q22.3.
Variant type: single nucleotide variant.
Coding change: c.3757G>A on transcript NM_001379500.1 (MANE Select); coding-DNA position 3757, G replaced by A.
Protein change: p.Gly1253Arg; replaces glycine 1253 with arginine.
Molecular consequence: missense variant.
Genome position (GRCh38, 1-based): chr21:45,511,174, G>A. VCF-style: chr21-45511174-G-A. GRCh37 (hg19) VCF-style: chr21-46931088-G-A.
Other names: c.4288G>A, p.Gly1430Arg (NM_030582.4); c.4993G>A, p.Gly1665Arg (NM_130444.3); short protein forms G1430R, G1665R, G1253R.
Identifiers: ClinVar variation 1043254 (VCV001043254.6), dbSNP rs374321733, ClinGen allele CA10068065.

ClinVar aggregate classification (germline): Uncertain significance. Review status: criteria provided, multiple submitters, no conflicts (2 of 4 stars). 2 submissions from 2 submitters: Uncertain significance (2). Last evaluated 2023-11-27.

Conditions:
Knobloch syndrome 1 (KNO1). Identifiers: MedGen C4551775, MONDO:0800167, OMIM 267750.
Hereditary glaucoma, primary closed-angle. Also called: Glaucoma, primary closed-angle. Identifiers: MedGen C5394374, MONDO:0030038, OMIM 618880.

Allele frequency attached by ClinVar (database versions not stated): gnomAD exomes 0.00006; ExAC 0.00010; gnomAD 0.00011 and 0.00012; TOPMed 0.00011; ESP Exome Variant Server 0.00016.
gnomAD v4.1: 59 of 1,600,942 alleles (0.0037%); highest among the groups gnomAD compares: African/African-American, 0.04%; no homozygotes.

Submissions (2):

Labcorp Genetics (formerly Invitae), Labcorp
Classification: Uncertain significance. Last evaluated: 2023-11-27. Review status: criteria provided, single submitter. Criteria: Invitae Variant Classification Sherloc (09022015). Collection method: clinical testing. Allele origin: germline.
Comment: This sequence change replaces glycine, which is neutral and non-polar, with arginine, which is basic and polar, at codon 1250 of the COL18A1 protein (p.Gly1250Arg). The frequency data for this variant in the population databases is considered unreliable, as metrics indicate poor data quality at this position in the gnomAD database. This variant has not been reported in the literature in individuals affected with COL18A1-related conditions. ClinVar contains an entry for this variant (Variation ID: 1043254). Experimental studies and prediction algorithms are not available or were not evaluated, and the functional significance of this variant is currently unknown. In summary, the available evidence is currently insufficient to determine the role of this variant in disease. Therefore, it has been classified as a Variant of Uncertain Significance.

Fulgent Genetics
Classification: Uncertain significance for Knobloch syndrome 1; Hereditary glaucoma, primary closed-angle. Last evaluated: 2022-01-17. Review status: criteria provided, single submitter. Criteria: ACMG Guidelines, 2015. Collection method: clinical testing. Allele origin: unknown.